The following is an entry in ClinVar:

NM_002470.4(MYH3):c.4023_4024del (p.Cys1341_Asp1342delinsTer)

Gene: MYH3 (myosin heavy chain 3; minus strand). Cytogenetic location: 17p13.1.
Variant type: Microsatellite.
Coding change: c.4023_4024del on transcript NM_002470.4 (MANE Select); coding-DNA positions 4023 to 4024, 2 bases deleted (TG; older notation c.4023_4024delTG).
Protein change: p.Cys1341_Asp1342delinsTer.
Molecular consequence: nonsense.
Genome position (GRCh38, 1-based): chr17:10,635,515-10,635,516, CA deleted on the plus strand (TG on the coding strand, the reverse complement: MYH3 is on the minus strand); deleting any 2 consecutive bases within chr17:10,635,515-10,635,518 gives the same sequence; the c. name uses the placement nearest the transcript's 3' end. VCF-style (leftmost placement, unchanged base first): chr17-10635514-TCA-T. GRCh37 (hg19) VCF-style: chr17-10538831-TCA-T.
Identifiers: ClinVar variation 4728978 (VCV004728978.1).

ClinVar aggregate classification (germline): Pathogenic (1 of 4 stars; one submission).

Submission:

Labcorp Genetics (formerly Invitae), Labcorp
Classification: Pathogenic. Last evaluated: 2025-10-16. Review status: criteria provided, single submitter. Criteria: Invitae Variant Classification Sherloc (09022015). Collection method: clinical testing. Allele origin: germline.
Comment: This sequence change creates a premature translational stop signal (p.Cys1341*) in the MYH3 gene. It is expected to result in an absent or disrupted protein product. Loss-of-function variants in MYH3 are known to be pathogenic (PMID: 29805041, 30008475). This variant is not present in population databases (gnomAD no frequency). This variant has not been reported in the literature in individuals affected with MYH3-related conditions. For these reasons, this variant has been classified as Pathogenic.

Literature cited by the submitters: PubMed 29805041; PubMed 30008475.